The following is an entry in ClinVar:

NM_153033.5(KCTD7):c.128C>T (p.Pro43Leu)

Genes: KCTD7 (potassium channel tetramerization domain containing 7; plus strand), LOC129998533 (ATAC-STARR-seq lymphoblastoid silent region 18210; plus strand). Cytogenetic location: 7q11.21.
Variant type: single nucleotide variant.
Coding change: c.128C>T on transcript NM_153033.5 (MANE Select); coding-DNA position 128, C replaced by T.
Protein change: p.Pro43Leu; replaces proline 43 with leucine.
Molecular consequence: missense variant.
Genome position (GRCh38, 1-based): chr7:66,629,192, C>T. VCF-style: chr7-66629192-C-T. GRCh37 (hg19) VCF-style: chr7-66094179-C-T.
Other names: c.128C>T, p.Pro43Leu (NM_001167961.2); short protein forms P43L.
Identifiers: ClinVar variation 1991699 (VCV001991699.1), dbSNP rs752044252, ClinGen allele CA4278167.

ClinVar aggregate classification (germline): Uncertain significance (1 of 4 stars; one submission).

Conditions:
Progressive myoclonic epilepsy type 3. Also called: KCTD7-Related Progressive Myoclonic Epilepsy; EPILEPSY, PROGRESSIVE MYOCLONIC, 3, WITHOUT INTRACELLULAR INCLUSIONS; EPILEPSY, PROGRESSIVE MYOCLONIC, 3, WITH OR WITHOUT INTRACELLULAR INCLUSIONS; CEROID LIPOFUSCINOSIS, NEURONAL, 14. Identifiers: Orphanet 263516, MedGen C2673257, MONDO:0012721, OMIM 611726.

Allele frequency attached by ClinVar (database versions not stated): ExAC 0.00003.

Submission:

Labcorp Genetics (formerly Invitae), Labcorp
Classification: Uncertain significance for Progressive myoclonic epilepsy type 3. Last evaluated: 2022-08-31. Review status: criteria provided, single submitter. Criteria: Invitae Variant Classification Sherloc (09022015). Collection method: clinical testing. Allele origin: germline.
Comment: This sequence change replaces proline, which is neutral and non-polar, with leucine, which is neutral and non-polar, at codon 43 of the KCTD7 protein (p.Pro43Leu). This variant is not present in population databases (gnomAD no frequency). This variant has not been reported in the literature in individuals affected with KCTD7-related conditions. Algorithms developed to predict the effect of missense changes on protein structure and function (SIFT, PolyPhen-2, Align-GVGD) all suggest that this variant is likely to be tolerated. In summary, the available evidence is currently insufficient to determine the role of this variant in disease. Therefore, it has been classified as a Variant of Uncertain Significance.